The following is an entry in ClinVar:

ClinVar aggregate classification (germline): Pathogenic (1 of 4 stars; one submission).

Conditions:
Glycine encephalopathy. Also called: Nonketotic hyperglycinemia; Non-ketotic hyperglycinemia. Identifiers: Orphanet 407, MedGen C0751748, MONDO:0011612, HP:0008288.

Submission:

Labcorp Genetics (formerly Invitae), Labcorp
Classification: Pathogenic for Glycine encephalopathy. Last evaluated: 2021-03-13. Review status: criteria provided, single submitter. Criteria: Invitae Variant Classification Sherloc (09022015). Collection method: clinical testing. Allele origin: germline.
Comment: This variant has not been reported in the literature in individuals with GLDC-related conditions. This sequence change creates a premature translational stop signal (p.Tyr266*) in the GLDC gene. It is expected to result in an absent or disrupted protein product. Loss-of-function variants in GLDC are known to be pathogenic (PMID: 16601880). This variant is not present in population databases (ExAC no frequency). For these reasons, this variant has been classified as Pathogenic.

Literature cited by the submitters: PubMed 16601880.

NM_000170.3(GLDC):c.798C>G (p.Tyr266Ter)

Gene: GLDC (glycine decarboxylase; minus strand). Cytogenetic location: 9p24.1.
Variant type: single nucleotide variant.
Coding change: c.798C>G on transcript NM_000170.3 (MANE Select); coding-DNA position 798, C replaced by G.
Protein change: p.Tyr266Ter; replaces tyrosine 266 with a stop codon.
Molecular consequence: nonsense.
Genome position (GRCh38, 1-based): chr9:6,605,194, G>C on the plus strand (C>G on the coding strand, the complement: GLDC is on the minus strand). VCF-style: chr9-6605194-G-C. GRCh37 (hg19) VCF-style: chr9-6605194-G-C.
Other names: short protein forms Y266*.
Identifiers: ClinVar variation 1373667 (VCV001373667.6), dbSNP rs2129898271, ClinGen allele CA372896429.